The following is an entry in ClinVar:

NM_030665.4(RAI1):c.2351C>T (p.Thr784Ile)

Gene: RAI1 (retinoic acid induced 1; plus strand). Cytogenetic location: 17p11.2.
Variant type: single nucleotide variant.
Coding change: c.2351C>T on transcript NM_030665.4 (MANE Select); coding-DNA position 2351, C replaced by T.
Protein change: p.Thr784Ile; replaces threonine 784 with isoleucine.
Molecular consequence: missense variant.
Genome position (GRCh38, 1-based): chr17:17,795,299, C>T. VCF-style: chr17-17795299-C-T. GRCh37 (hg19) VCF-style: chr17-17698613-C-T.
Other names: short protein forms T784I.
Identifiers: ClinVar variation 4993751 (VCV004993751.1).
Genomic context (GRCh38, chr17:17,795,299, plus strand): 5'-AGCTTACCAAGGGCCTGGAGCAGGGTGGGAAGGCCTCAGATGGCATCAGCAAAGGGGACA[C>T]CCATGAGGCTTCGGCCTGCCTGGGCTTCCAGGAGGAGGACCCCCCTGGGGAGAAGGTGGC-3'
Protein context (NP_109590.3, residues 774-794): KASDGISKGD[Thr784Ile]HEASACLGFQ

ClinVar aggregate classification (germline): Uncertain significance (1 of 4 stars; one submission).

Conditions:
RAI1-related disorder. Also called: RAI1-related condition.

Submission:

PreventionGenetics, part of Exact Sciences
Classification: Uncertain significance for RAI1-related condition. Last evaluated: 2026-02-09. Review status: criteria provided, single submitter. Criteria: ACMG Guidelines, 2015. Collection method: clinical testing. Allele origin: germline.
Comment: The RAI1 c.2351C>T variant is predicted to result in the amino acid substitution p.Thr784Ile. To our knowledge, this variant has not been reported in the literature or in a large population database (gnomAD), indicating this variant is rare. At this time, the clinical significance of this variant is uncertain due to the absence of conclusive functional and genetic evidence.